The following is an entry in ClinVar:

NM_000553.6(WRN):c.3222G>T (p.Leu1074Phe)

Gene: WRN (WRN RecQ like helicase; plus strand). Cytogenetic location: 8p12.
Variant type: single nucleotide variant.
Coding change: c.3222G>T on transcript NM_000553.6 (MANE Select); coding-DNA position 3222, G replaced by T.
Protein change: p.Leu1074Phe; replaces leucine 1074 with phenylalanine.
Molecular consequence: missense variant.
Genome position (GRCh38, 1-based): chr8:31,141,764, G>T. VCF-style: chr8-31141764-G-T. GRCh37 (hg19) VCF-style: chr8-30999280-G-T.
Other names: short protein forms L1074F.
Identifiers: ClinVar variation 130759 (VCV000130759.29), dbSNP rs1801195, ClinGen allele CA156020.
Genomic context (GRCh38, chr8:31,141,764, plus strand): 5'-TAATACAGAATCTCAGAGCCTCATCCTTCAAGCTAATGAAGAATTGTGTCCAAAGAAGTT[G>T]CTTCTGCCTAGGTTCATTTTTCAGTTTTTTTCTTGTAACTTCTGCATTTTTTGTTGCTAT-3'
Protein context (NP_000544.2, residues 1064-1084): QANEELCPKK[Leu1074Phe]LLPSSKTVSS

ClinVar aggregate classification (germline): Benign/Likely benign. Review status: criteria provided, multiple submitters, no conflicts (2 of 4 stars). 15 submissions from 14 submitters: Benign (8); Likely benign (3). 4 of the submissions do not count toward it. Last evaluated 2026-02-04.

Conditions:
Wiskott-Aldrich syndrome (WAS). Also called: Wiskott-aldrich syndrome, somatic; WISKOTT-ALDRICH SYNDROME 1; ALDRICH SYNDROME; IMMUNODEFICIENCY 2. Identifiers: Orphanet 906, MedGen C0043194, MONDO:0010518, OMIM 301000.
Werner syndrome (WRN). Identifiers: Orphanet 902, MedGen C0043119, MONDO:0010196, OMIM 277700.

Allele frequency attached by ClinVar (database versions not stated): ExAC 0.44918; gnomAD 0.46283 and 0.46398; ESP Exome Variant Server 0.46694; TOPMed 0.48147; 1000 Genomes Project 0.49601; 1000 Genomes Project 30x 0.50031.
gnomAD v4.1: 726,329 of 1,612,852 alleles (45%); highest among the groups gnomAD compares: East Asian, 61%; 166,265 homozygotes.

Submissions (15):

Labcorp Genetics (formerly Invitae), Labcorp
Classification: Benign for Werner syndrome. Last evaluated: 2026-02-04. Review status: criteria provided, single submitter. Criteria: Invitae Variant Classification Sherloc (09022015). Collection method: clinical testing. Allele origin: germline.

KCCC/NGS Laboratory, Kuwait Cancer Control Center
Classification: Benign for Werner syndrome. Last evaluated: 2025-02-01. Review status: criteria provided, single submitter. Criteria: ACMG Guidelines, 2015. Collection method: clinical testing. Allele origin: germline. Affected: no.

Blueprint Genetics
Classification: Likely benign. Last evaluated: 2024-11-27. Review status: criteria provided, single submitter. Criteria: ACMG Guidelines, 2015. Collection method: clinical testing. Allele origin: germline.

KCCC/NGS Laboratory, Kuwait Cancer Control Center
Classification: Benign for Wiskott-Aldrich syndrome. Last evaluated: 2023-07-07. Review status: criteria provided, single submitter. Criteria: ACMG Guidelines, 2015. Collection method: clinical testing. Allele origin: germline. Affected: yes.

Mayo Clinic Laboratories, Mayo Clinic
Classification: Benign. Last evaluated: 2021-12-29. Review status: criteria provided, single submitter. Criteria: ACMG Guidelines, 2015. Collection method: clinical testing. Allele origin: germline. Observed: 271 variant alleles.
Comment: BA1

Genome-Nilou Lab
Classification: Benign for Werner syndrome. Last evaluated: 2021-12-05. Review status: criteria provided, single submitter. Criteria: ACMG Guidelines, 2015. Collection method: clinical testing. Allele origin: germline. Affected: no.

Women's Health and Genetics/Laboratory Corporation of America, LabCorp
Classification: Likely benign. Last evaluated: 2021-12-03. Review status: criteria provided, single submitter. Criteria: LabCorp Variant Classification Summary - May 2015. Collection method: clinical testing. Allele origin: germline.

GeneDx
Classification: Benign. Last evaluated: 2018-05-17. Review status: criteria provided, single submitter. Criteria: GeneDx Variant Classification (06012015). Collection method: clinical testing. Allele origin: germline. Affected: yes.
Comment: This variant is considered likely benign or benign based on one or more of the following criteria: it is a conservative change, it occurs at a poorly conserved position in the protein, it is predicted to be benign by multiple in silico algorithms, and/or has population frequency not consistent with disease.

Illumina Laboratory Services, Illumina
Classification: Benign for Werner syndrome. Last evaluated: 2018-03-06. Review status: criteria provided, single submitter. Criteria: ICSL Variant Classification Criteria 13 December 2019. Collection method: clinical testing. Allele origin: germline.
Comment: This variant was observed in the ICSL laboratory as part of a predisposition screen in an ostensibly healthy population. It had not been previously curated by ICSL or reported in the Human Gene Mutation Database (HGMD: prior to June 1st, 2018), and was therefore a candidate for classification through an automated scoring system. Utilizing variant allele frequency, disease prevalence and penetrance estimates, and inheritance mode, an automated score was calculated to assess if this variant is too frequent to cause the disease. Based on the score and internal cut-off values, a variant classified as benign is not then subjected to further curation. The score for this variant resulted in a classification of benign for this disease.

Breakthrough Genomics
Classification: Likely benign. Review status: criteria provided, single submitter. Criteria: ACMG Guidelines, 2015. Collection method: not provided. Allele origin: germline. Inheritance: Autosomal recessive inheritance. Affected: yes.

PreventionGenetics, part of Exact Sciences
Classification: Benign. Review status: criteria provided, single submitter. Criteria: ACMG Guidelines, 2015. Collection method: clinical testing. Allele origin: germline.

ITMI
No classification provided. Condition: AllHighlyPenetrant. Last evaluated: 2013-09-19. Review status: no classification provided. Collection method: reference population. Allele origin: germline. Not counted in ClinVar's aggregate classification.
Comment: Please see associated publication for description of ethnicities

Diagnostic Laboratory, Department of Genetics, University Medical Center Groningen
Classification: Benign. Review status: no assertion criteria provided. Collection method: clinical testing. Allele origin: germline. Affected: yes. Study: VKGL Data-share Consensus. Not counted in ClinVar's aggregate classification.

Genetic Services Laboratory, University of Chicago
Classification: Likely benign for AllHighlyPenetrant. Review status: no assertion criteria provided. Collection method: clinical testing. Allele origin: germline. Inheritance: Autosomal recessive inheritance. Not counted in ClinVar's aggregate classification.
Comment: Likely benign based on allele frequency in 1000 Genomes Project or ESP global frequency and its presence in a patient with a rare or unrelated disease phenotype. NOT Sanger confirmed.

Joint Genome Diagnostic Labs from Nijmegen and Maastricht, Radboudumc and MUMC+
Classification: Benign. Review status: no assertion criteria provided. Collection method: clinical testing. Allele origin: germline. Affected: yes. Study: VKGL Data-share Consensus. Not counted in ClinVar's aggregate classification.

Literature cited by the submitters: PubMed 24728327 (cited by ITMI).